The following is an entry in ClinVar:

NM_004153.4(ORC1):c.1397C>T (p.Thr466Met)

Gene: ORC1 (origin recognition complex subunit 1; minus strand). Cytogenetic location: 1p32.3.
Variant type: single nucleotide variant.
Coding change: c.1397C>T on transcript NM_004153.4 (MANE Select); coding-DNA position 1397, C replaced by T.
Protein change: p.Thr466Met; replaces threonine 466 with methionine.
Molecular consequence: missense variant.
Genome position (GRCh38, 1-based): chr1:52,385,936, G>A on the plus strand (C>T on the coding strand, the complement: ORC1 is on the minus strand). VCF-style: chr1-52385936-G-A. GRCh37 (hg19) VCF-style: chr1-52851608-G-A.
Other names: c.1397C>T, p.Thr466Met (NM_001190818.2); c.1382C>T, p.Thr461Met (NM_001190819.2); short protein forms T466M, T461M.
Identifiers: ClinVar variation 129856 (VCV000129856.20), dbSNP rs3087481, ClinGen allele CA154194.

ClinVar aggregate classification (germline): Benign. Review status: criteria provided, multiple submitters, no conflicts (2 of 4 stars). 5 submissions from 5 submitters: Benign (4). 1 of the submissions does not count toward it. Last evaluated 2026-02-02.

Conditions:
Meier-Gorlin syndrome 1 (MGORS1). Also called: EAR, PATELLA, SHORT STATURE SYNDROME. Identifiers: Orphanet 2554, MedGen C4552001, MONDO:0009143, OMIM 224690.

Allele frequency attached by ClinVar (database versions not stated): gnomAD exomes 0.02516 and 0.00711; 1000 Genomes Project 0.03714; 1000 Genomes Project 30x 0.03763; ESP Exome Variant Server 0.00169; gnomAD 0.00702 and 0.00909; TOPMed 0.01274; ExAC 0.02381.
gnomAD v4.1: 12,110 of 1,613,220 alleles (0.75%); highest among the groups gnomAD compares: East Asian, 10%; 487 homozygotes.

Submissions (5):

Labcorp Genetics (formerly Invitae), Labcorp
Classification: Benign. Last evaluated: 2026-02-02. Review status: criteria provided, single submitter. Criteria: Invitae Variant Classification Sherloc (09022015). Collection method: clinical testing. Allele origin: germline.

GeneDx
Classification: Benign. Last evaluated: 2021-05-04. Review status: criteria provided, single submitter. Criteria: GeneDx Variant Classification Process June 2021. Collection method: clinical testing. Allele origin: germline. Affected: yes.

Illumina Laboratory Services, Illumina
Classification: Benign for Meier-Gorlin syndrome 1. Last evaluated: 2018-01-13. Review status: criteria provided, single submitter. Criteria: ICSL Variant Classification Criteria 13 December 2019. Collection method: clinical testing. Allele origin: germline.
Comment: This variant was observed in the ICSL laboratory as part of a predisposition screen in an ostensibly healthy population. It had not been previously curated by ICSL or reported in the Human Gene Mutation Database (HGMD: prior to June 1st, 2018), and was therefore a candidate for classification through an automated scoring system. Utilizing variant allele frequency, disease prevalence and penetrance estimates, and inheritance mode, an automated score was calculated to assess if this variant is too frequent to cause the disease. Based on the score and internal cut-off values, a variant classified as benign is not then subjected to further curation. The score for this variant resulted in a classification of benign for this disease.

Breakthrough Genomics
Classification: Benign. Review status: criteria provided, single submitter. Criteria: ACMG Guidelines, 2015. Collection method: not provided. Allele origin: germline. Inheritance: Autosomal recessive inheritance. Affected: yes.

Genetic Services Laboratory, University of Chicago
Classification: Likely benign for AllHighlyPenetrant. Review status: no assertion criteria provided. Collection method: clinical testing. Allele origin: germline. Inheritance: Autosomal recessive inheritance. Not counted in ClinVar's aggregate classification.
Comment: Likely benign based on allele frequency in 1000 Genomes Project or ESP global frequency and its presence in a patient with a rare or unrelated disease phenotype. NOT Sanger confirmed.